The following is an entry in ClinVar:

NM_002161.6(IARS1):c.773dup (p.Leu258fs)

Gene: IARS1 (isoleucyl-tRNA synthetase 1; minus strand). Cytogenetic location: 9q22.31.
Variant type: Duplication.
Coding change: c.773dup on transcript NM_002161.6 (MANE Select); coding-DNA position 773, one base duplicated (T; older notation c.773dupT).
Protein change: p.Leu258fs; shifts the reading frame from leucine 258.
Molecular consequence: frameshift variant. On other transcripts: non-coding transcript variant (1).
Genome position (GRCh38, 1-based): chr9:92,278,259, A duplicated on the plus strand (T on the coding strand, the reverse complement: IARS1 is on the minus strand); the first of 4 consecutive A bases (chr9:92,278,259-92,278,262); duplicating any one gives the same sequence. VCF-style (leftmost placement, unchanged base first): chr9-92278258-T-TA. GRCh37 (hg19) VCF-style: chr9-95040540-T-TA.
Other names: c.773dup, p.Leu258fs (NM_001374299.1, NM_001374300.1, NM_001374301.1 and 15 more transcripts); c.836dup, p.Leu279fs (NM_001378569.1); c.650dup, p.Leu217fs (NM_001378583.1); short protein forms L258fs, L217fs, L279fs.
Identifiers: ClinVar variation 2016884 (VCV002016884.4), dbSNP rs1834041329, ClinGen allele CA1864178661.

ClinVar aggregate classification (germline): Pathogenic (1 of 4 stars; one submission).

Submission:

Labcorp Genetics (formerly Invitae), Labcorp
Classification: Pathogenic. Last evaluated: 2024-01-22. Review status: criteria provided, single submitter. Criteria: Invitae Variant Classification Sherloc (09022015). Collection method: clinical testing. Allele origin: germline.
Comment: This sequence change creates a premature translational stop signal (p.Leu258Phefs*11) in the IARS gene. It is expected to result in an absent or disrupted protein product. Loss-of-function variants in IARS are known to be pathogenic (PMID: 27426735, 27891590). This variant is not present in population databases (gnomAD no frequency). This variant has not been reported in the literature in individuals affected with IARS-related conditions. ClinVar contains an entry for this variant (Variation ID: 2016884). For these reasons, this variant has been classified as Pathogenic.

Literature cited by the submitters: PubMed 27426735; PubMed 27891590.